The following is an entry in ClinVar:

ClinVar aggregate classification (germline): Uncertain significance (1 of 4 stars; one submission).

Conditions:
Hereditary cancer-predisposing syndrome. Also called: Hereditary Cancer Syndrome; Neoplastic Syndromes, Hereditary; Tumor predisposition; Hereditary neoplastic syndrome. Identifiers: Orphanet 140162, MedGen C0027672, MeSH D009386, MONDO:0015356.

Submission:

Ambry Genetics
Classification: Uncertain significance for Hereditary cancer-predisposing syndrome. Last evaluated: 2026-08-18. Review status: criteria provided, single submitter. Criteria: Ambry Variant Classification Scheme 2023. Collection method: clinical testing. Allele origin: germline.
Comment: The p.F359L variant (also known as c.1077C>A), located in coding exon 9 of the EGFR gene, results from a C to A substitution at nucleotide position 1077. The phenylalanine at codon 359 is replaced by leucine, an amino acid with highly similar properties. This amino acid position is highly conserved in available vertebrate species. In addition, the in silico prediction for this alteration is inconclusive. Based on the available evidence, the clinical significance of this variant remains unclear.

NM_005228.5(EGFR):c.1077C>A (p.Phe359Leu)

Genes: EGFR (epidermal growth factor receptor; plus strand), LOC126860048 (P300/CBP strongly-dependent group 1 enhancer GRCh37_chr7:55223847-55225046; plus strand). Cytogenetic location: 7p11.2.
Variant type: single nucleotide variant.
Coding change: c.1077C>A on transcript NM_005228.5 (MANE Select); coding-DNA position 1077, C replaced by A.
Protein change: p.Phe359Leu; replaces phenylalanine 359 with leucine.
Molecular consequence: missense variant.
Genome position (GRCh38, 1-based): chr7:55,156,603, C>A. VCF-style: chr7-55156603-C-A. GRCh37 (hg19) VCF-style: chr7-55224296-C-A.
Other names: c.942C>A, p.Phe314Leu (NM_001346897.2, NM_001346899.2); c.1077C>A, p.Phe359Leu (NM_001346898.2, NM_201282.2, NM_201283.2 and 1 more transcripts); c.918C>A, p.Phe306Leu (NM_001346900.2); c.276C>A, p.Phe92Leu (NM_001346941.2); short protein forms F314L, F306L, F359L, F92L.
Identifiers: ClinVar variation 5035823 (VCV005035823.1).